The following is an entry in ClinVar:

ClinVar aggregate classification (germline): Uncertain significance (1 of 4 stars; one submission).

Submission:

Labcorp Genetics (formerly Invitae), Labcorp
Classification: Uncertain significance. Last evaluated: 2025-03-13. Review status: criteria provided, single submitter. Criteria: Invitae Variant Classification Sherloc (09022015). Collection method: clinical testing. Allele origin: germline.
Comment: This sequence change replaces serine, which is neutral and polar, with cysteine, which is neutral and slightly polar, at codon 612 of the NPAT protein (p.Ser612Cys). This variant is not present in population databases (gnomAD no frequency). This variant has not been reported in the literature in individuals affected with NPAT-related conditions. An algorithm developed to predict the effect of missense changes on protein structure and function (PolyPhen-2) suggests that this variant is likely to be disruptive. In summary, the available evidence is currently insufficient to determine the role of this variant in disease. Therefore, it has been classified as a Variant of Uncertain Significance.

NM_002519.3(NPAT):c.1834A>T (p.Ser612Cys)

Gene: NPAT (nuclear protein, coactivator of histone transcription; minus strand). Cytogenetic location: 11q22.3.
Variant type: single nucleotide variant.
Coding change: c.1834A>T on transcript NM_002519.3 (MANE Select); coding-DNA position 1834, A replaced by T.
Protein change: p.Ser612Cys; replaces serine 612 with cysteine.
Molecular consequence: missense variant.
Genome position (GRCh38, 1-based): chr11:108,173,150, T>A on the plus strand (A>T on the coding strand, the complement: NPAT is on the minus strand). VCF-style: chr11-108173150-T-A. GRCh37 (hg19) VCF-style: chr11-108043877-T-A.
Other names: c.1834A>T, p.Ser612Cys (NM_001321307.1); short protein forms S612C.
Identifiers: ClinVar variation 4807467 (VCV004807467.1).
Genomic context (GRCh38, chr11:108,173,150, plus strand): 5'-TAGAAGACAGCGAATCTCCAAGATGAATTTCTACTTGTCCAGATACATTTAAATGTGAAC[T>A]TTCAACAGACACAGGTAGTATTTCACTTTGAAGACAAGAATTATCTTGGCAATTTGATAG-3'
Protein context (NP_002510.2, residues 602-622): QSEILPVSVE[Ser612Cys]SHLNVSGQVE